The following is an entry in ClinVar:

NM_004211.5(SLC6A5):c.1621C>A (p.Gln541Lys)

Gene: SLC6A5 (solute carrier family 6 member 5; plus strand). Cytogenetic location: 11p15.1.
Variant type: single nucleotide variant.
Coding change: c.1621C>A on transcript NM_004211.5 (MANE Select); coding-DNA position 1621, C replaced by A.
Protein change: p.Gln541Lys; replaces glutamine 541 with lysine.
Molecular consequence: missense variant.
Genome position (GRCh38, 1-based): chr11:20,630,812, C>A. VCF-style: chr11-20630812-C-A. GRCh37 (hg19) VCF-style: chr11-20652358-C-A.
Other names: c.919C>A, p.Gln307Lys (NM_001318369.2); c.1621C>A (NM_004211.3); short protein forms Q541K, Q307K.
Identifiers: ClinVar variation 1398861 (VCV001398861.9), dbSNP rs931802079, ClinGen allele CA379917660.

ClinVar aggregate classification (germline): Uncertain significance. Review status: criteria provided, multiple submitters, no conflicts (2 of 4 stars). 2 submissions from 2 submitters: Uncertain significance (2). Last evaluated 2025-05-17.

Conditions:
Hyperekplexia 3 (HKPX3). Also called: HYPEREKPLEXIA 3, AUTOSOMAL RECESSIVE; HYPEREKPLEXIA 3, AUTOSOMAL DOMINANT. Identifiers: Orphanet 3197, MedGen C3553288, MONDO:0013827, OMIM 614618.
Inborn genetic diseases. Identifiers: MedGen C0950123, MeSH D030342.

gnomAD v4.1: 1 of 1,614,110 alleles (0.000062%); highest among the groups gnomAD compares: Middle Eastern, 0.016%; no homozygotes.

Submissions (2):

Ambry Genetics
Classification: Uncertain significance for Inborn genetic diseases. Last evaluated: 2025-05-17. Review status: criteria provided, single submitter. Criteria: Ambry Variant Classification Scheme 2023. Collection method: clinical testing. Allele origin: germline.

Labcorp Genetics (formerly Invitae), Labcorp
Classification: Uncertain significance for Hyperekplexia 3. Last evaluated: 2024-06-17. Review status: criteria provided, single submitter. Criteria: Invitae Variant Classification Sherloc (09022015). Collection method: clinical testing. Allele origin: germline.
Comment: This sequence change replaces glutamine, which is neutral and polar, with lysine, which is basic and polar, at codon 541 of the SLC6A5 protein (p.Gln541Lys). This variant is not present in population databases (gnomAD no frequency). This variant has not been reported in the literature in individuals affected with SLC6A5-related conditions. ClinVar contains an entry for this variant (Variation ID: 1398861). Advanced modeling of protein sequence and biophysical properties (such as structural, functional, and spatial information, amino acid conservation, physicochemical variation, residue mobility, and thermodynamic stability) performed at Invitae indicates that this missense variant is not expected to disrupt SLC6A5 protein function with a negative predictive value of 80%. In summary, the available evidence is currently insufficient to determine the role of this variant in disease. Therefore, it has been classified as a Variant of Uncertain Significance.